The following is an entry in ClinVar:

NM_000152.5(GAA):c.391CCCAGCTAC[3] (p.131PSY[3])

Gene: GAA (alpha glucosidase; plus strand). Cytogenetic location: 17q25.3.
Variant type: Microsatellite.
Coding change: c.391CCCAGCTAC[3] on transcript NM_000152.5 (MANE Select); three copies in a row of the 9-base unit CCCAGCTAC starting at c.391; the reference has two copies in a row; one copy, 9 bases duplicated.
Protein change: p.131PSY[3].
Molecular consequence: inframe insertion.
Genome position (GRCh38, 1-based): chr17:80,104,986-80,104,994, CCCAGCTAC duplicated; duplicating any 9 consecutive bases within chr17:80,104,977-80,104,994 gives the same sequence; the position shown is the placement nearest the transcript's 3' end. VCF-style (leftmost placement, unchanged base first): chr17-80104976-A-ACCCAGCTAC. GRCh37 (hg19) VCF-style: chr17-78078775-A-ACCCAGCTAC.
Other names: c.391CCCAGCTAC[3], p.131PSY[3] (NM_001079803.3, NM_001079804.3).
Identifiers: ClinVar variation 550713 (VCV000550713.6), dbSNP rs1555598846, ClinGen allele CA658824774.
Genomic context (GRCh38, chr17:80,104,976, plus strand): 5'-CATCCCTGCAAAGCAGGGGCTGCAGGGAGCCCAGATGGGGCAGCCCTGGTGCTTCTTCCC[A>ACCCAGCTAC]CCCAGCTACCCCAGCTACAAGCTGGAGAACCTGAGCTCCTCTGAAATGGGCTACACGGCC-3'

ClinVar aggregate classification (germline): Uncertain significance. Review status: reviewed by expert panel (3 of 4 stars). 2 submissions from 2 submitters: Uncertain significance (1). 1 of the submissions does not count toward it. Last evaluated 2023-03-13.

Conditions:
Glycogen storage disease, type II (IOPD). Also called: POMPE DISEASE, INFANTILE-ONSET; GLYCOGEN STORAGE DISEASE II, INFANTILE-ONSET; ACID ALPHA-GLUCOSIDASE DEFICIENCY, INFANTILE-ONSET; GAA DEFICIENCY, INFANTILE-ONSET; ACID MALTASE DEFICIENCY, INFANTILE-ONSET; GLYCOGENOSIS, GENERALIZED, CARDIAC FORM. Identifiers: Orphanet 365, MedGen C0017921, MONDO:0009290, OMIM 232300.

Submissions (2):

ClinGen Lysosomal Storage Disorder Variant Curation Expert Panel
Classification: Uncertain significance for Glycogen storage disease, type II. Last evaluated: 2023-03-13. Review status: reviewed by expert panel. Criteria: clingen_lsd_acmg_specifications_v2-1. Collection method: curation. Allele origin: germline. Inheritance: Autosomal recessive inheritance.
Comment: The NM_000152.5:c.400_408dup variant in GAA is predicted to cause a change in the length of the protein due to an in-frame duplication of 3 amino acids in a non-repeat region (p.Pro134_Tyr136dup) (PM4). The variant is absent in gnomAD v2.1.1. (PM2_Supporting). To our knowledge, this variant has not been reported in the literature in individuals with Pompe disease, and results of experimental studies are not available. Computational evidence is conflicting; PROVEAN predicts that the variant will impact the function of GAA, while Mutation Taster predicts no impact. No impact on splicing is predicted by SpliceAI. As a result, neither PP3 nor BP4 can be applied. There is a ClinVar entry for this variant (Variation ID: 550713). In summary, this variant meets the criteria to be classified as a variant of uncertain significance for Pompe disease. GAA-specific ACMG/AMP criteria applied, as specified by the ClinGen Lysosomal Diseases VCEP: PM4, PM2_Supporting. (Classification approved by the ClinGen Lysosomal Diseases VCEP on March 13, 2023).

Counsyl
Classification: Uncertain significance for Glycogen storage disease, type II. Last evaluated: 2017-02-09. Review status: no assertion criteria provided. Collection method: clinical testing. Allele origin: unknown. Not counted in ClinVar's aggregate classification.